The following is an entry in ClinVar:

NM_000321.3(RB1):c.1895C>A (p.Ala632Glu)

Gene: RB1 (RB transcriptional corepressor 1; plus strand). Cytogenetic location: 13q14.2.
Variant type: single nucleotide variant.
Coding change: c.1895C>A on transcript NM_000321.3 (MANE Select); coding-DNA position 1895, C replaced by A.
Protein change: p.Ala632Glu; replaces alanine 632 with glutamic acid.
Molecular consequence: missense variant.
Genome position (GRCh38, 1-based): chr13:48,456,284, C>A. VCF-style: chr13-48456284-C-A. GRCh37 (hg19) VCF-style: chr13-49030420-C-A.
Other names: short protein forms A632E.
Identifiers: ClinVar variation 967806 (VCV000967806.13), dbSNP rs1949359489, ClinGen allele CA388166039.
Genomic context (GRCh38, chr13:48,456,284, plus strand): 5'-CTCCAAAGAAAAAAGGTTCAACTACGCGTGTAAATTCTACTGCAAATGCAGAGACACAAG[C>A]AACCTCAGCCTTCCAGACCCAGAAGCCATTGAAATCTACCTCTCTTTCACTGTTTTATAA-3'
Protein context (NP_000312.2, residues 622-642): VNSTANAETQ[Ala632Glu]TSAFQTQKPL

ClinVar aggregate classification (germline): Conflicting classifications of pathogenicity. Review status: criteria provided, conflicting classifications (1 of 4 stars). 4 submissions from 4 submitters: Uncertain significance (3); Likely benign (1). Last evaluated 2025-08-26.

Conditions:
Hereditary cancer-predisposing syndrome. Also called: Hereditary neoplastic syndrome; Neoplastic Syndromes, Hereditary; Hereditary Cancer Syndrome; Tumor predisposition. Identifiers: Orphanet 140162, MedGen C0027672, MeSH D009386, MONDO:0015356.
Retinoblastoma (RB1). Also called: RETINOBLASTOMA, SOMATIC. Identifiers: Orphanet 790, MedGen C0035335, MeSH D012175, MONDO:0008380, OMIM 180200, HP:0009919. Disease mechanism: loss of function. Inheritance: Both sporadic and heritable forms are tested..

gnomAD v4.1: 6 of 1,614,220 alleles (0.00037%); highest among the groups gnomAD compares: Non-Finnish European, 0.00042%; no homozygotes.

Submissions (4):

Labcorp Genetics (formerly Invitae), Labcorp
Classification: Uncertain significance for Retinoblastoma. Last evaluated: 2025-08-26. Review status: criteria provided, single submitter. Criteria: Invitae Variant Classification Sherloc (09022015). Collection method: clinical testing. Allele origin: germline.
Comment: This sequence change replaces alanine, which is neutral and non-polar, with glutamic acid, which is acidic and polar, at codon 632 of the RB1 protein (p.Ala632Glu). This variant is not present in population databases (gnomAD no frequency). This variant has not been reported in the literature in individuals affected with RB1-related conditions. ClinVar contains an entry for this variant (Variation ID: 967806). Invitae Evidence Modeling of protein sequence and biophysical properties (such as structural, functional, and spatial information, amino acid conservation, physicochemical variation, residue mobility, and thermodynamic stability) indicates that this missense variant is not expected to disrupt RB1 protein function with a negative predictive value of 80%. In summary, the available evidence is currently insufficient to determine the role of this variant in disease. Therefore, it has been classified as a Variant of Uncertain Significance.

Ambry Genetics
Classification: Likely benign for Hereditary cancer-predisposing syndrome. Last evaluated: 2025-06-25. Review status: criteria provided, single submitter. Criteria: Ambry Variant Classification Scheme 2023. Collection method: clinical testing. Allele origin: germline.

All of Us Research Program, National Institutes of Health
Classification: Uncertain significance for Retinoblastoma. Last evaluated: 2024-05-30. Review status: criteria provided, single submitter. Criteria: ACMG Guidelines, 2015. Collection method: clinical testing. Allele origin: germline. Inheritance: Autosomal dominant inheritance. Observed: 2 variant alleles, 2 heterozygotes.
Comment: This missense variant replaces alanine with glutamic acid at codon 632 of the RB1 protein. Computational prediction suggests that this variant may not impact protein structure and function (internally defined REVEL score threshold <= 0.5, PMID: 27666373). To our knowledge, functional studies have not been reported for this variant. This variant has not been reported in individuals affected with RB1-related disorders in the literature. This variant has not been identified in the general population by the Genome Aggregation Database (gnomAD). The available evidence is insufficient to determine the role of this variant in disease conclusively. Therefore, this variant is classified as a Variant of Uncertain Significance.

This study involves interpretation of variants in research participants for the purpose of population health screening. Participant phenotype was not available at the time of variant classification. Additional details can be found in publication PMID: 35346344, PMCID: PMC8962531

GeneDx
Classification: Uncertain significance. Last evaluated: 2024-02-23. Review status: criteria provided, single submitter. Criteria: GeneDx Variant Classification Process June 2021. Collection method: clinical testing. Allele origin: germline. Affected: yes.
Comment: Not observed at significant frequency in large population cohorts (gnomAD); In silico analysis supports that this missense variant does not alter protein structure/function; Has not been previously published as pathogenic or benign to our knowledge; This variant is associated with the following publications: (PMID: Day alan_2006_Review, 23516486)